The following is an entry in ClinVar:

ClinVar aggregate classification (germline): Uncertain significance (1 of 4 stars; one submission).

Conditions:
Cowden syndrome 6 (CWS6). Identifiers: Orphanet 201, MedGen C3554519, MONDO:0014048, OMIM 615109.

Submission:

Labcorp Genetics (formerly Invitae), Labcorp
Classification: Uncertain significance for Cowden syndrome 6. Last evaluated: 2021-06-23. Review status: criteria provided, single submitter. Criteria: Invitae Variant Classification Sherloc (09022015). Collection method: clinical testing. Allele origin: germline.
Comment: This sequence change replaces serine with threonine at codon 126 of the AKT1 protein (p.Ser126Thr). The serine residue is moderately conserved and there is a small physicochemical difference between serine and threonine. This variant is not present in population databases (ExAC no frequency). This variant has not been reported in the literature in individuals with AKT1-related conditions. Algorithms developed to predict the effect of missense changes on protein structure and function (SIFT, PolyPhen-2, Align-GVGD) all suggest that this variant is likely to be tolerated, but these predictions have not been confirmed by published functional studies and their clinical significance is uncertain. In summary, the available evidence is currently insufficient to determine the role of this variant in disease. Therefore, it has been classified as a Variant of Uncertain Significance.

NM_001382430.1(AKT1):c.377G>C (p.Ser126Thr)

Gene: AKT1 (AKT serine/threonine kinase 1; minus strand). Cytogenetic location: 14q32.33.
Variant type: single nucleotide variant.
Coding change: c.377G>C on transcript NM_001382430.1 (MANE Select); coding-DNA position 377, G replaced by C.
Protein change: p.Ser126Thr; replaces serine 126 with threonine.
Molecular consequence: missense variant.
Genome position (GRCh38, 1-based): chr14:104,775,710, C>G on the plus strand (G>C on the coding strand, the complement: AKT1 is on the minus strand). VCF-style: chr14-104775710-C-G. GRCh37 (hg19) VCF-style: chr14-105242047-C-G.
Other names: c.377G>C, p.Ser126Thr (NM_001014431.2, NM_001014432.2, NM_001382431.1 and 3 more transcripts); short protein forms S126T.
Identifiers: ClinVar variation 838786 (VCV000838786.9), dbSNP rs1892659749, ClinGen allele CA391220161.
Genomic context (GRCh38, chr14:104,775,710, plus strand): 5'-ACCACGCGGTGCTTGGGCTTGGCCAGGGACACCTCCATCTCTTCAGCCCCTGAGTTGTCA[C>G]TGGGTGAGCCCGACCGGAAGTCCATCTCCTCCTCCTCCTGCTTCTTGAGGCCGTCAGCCA-3'
Protein context (NP_001369359.1, residues 116-136): EEMDFRSGSP[Ser126Thr]DNSGAEEMEV